The following is an entry in ClinVar:

NM_001009944.3(PKD1):c.10658G>A (p.Trp3553Ter)

Genes: PKD1 (polycystin 1, transient receptor potential channel interacting; minus strand), PKD1-AS1 (PKD1 antisense RNA 1; plus strand). Cytogenetic location: 16p13.3.
Variant type: single nucleotide variant.
Coding change: c.10658G>A on transcript NM_001009944.3 (MANE Select); coding-DNA position 10658, G replaced by A.
Protein change: p.Trp3553Ter; replaces tryptophan 3553 with a stop codon.
Molecular consequence: nonsense.
Genome position (GRCh38, 1-based): chr16:2,093,974, C>T on the plus strand (G>A on the coding strand, the complement: PKD1 is on the minus strand). VCF-style: chr16-2093974-C-T. GRCh37 (hg19) VCF-style: chr16-2143975-C-T.
Other names: c.10655G>A, p.Trp3552Ter (NM_000296.4); short protein forms W3552*, W3553*.
Identifiers: ClinVar variation 1699513 (VCV001699513.2), dbSNP rs1321748065, ClinGen allele CA394340871.
Genomic context (GRCh38, chr16:2,093,974, plus strand): 5'-GAGACAGCCACAGCCACAGCCACCAGGAGCAGGCTGAGCCCGTGGGCCAGGGAGGCACAC[C>T]AGGCCGGCAGCAGGCGCTTCCGCAGACCCTCCACCAGTCCTGGGGAAGCAGAGACAGACC-3'

ClinVar aggregate classification (germline): Pathogenic (1 of 4 stars; one submission).

Submission:

GeneDx
Classification: Pathogenic. Last evaluated: 2022-07-21. Review status: criteria provided, single submitter. Criteria: GeneDx Variant Classification Process June 2021. Collection method: clinical testing. Allele origin: germline. Affected: yes.
Comment: Nonsense variant predicted to result in protein truncation or nonsense mediated decay in a gene for which loss-of-function is a known mechanism of disease; Not observed at significant frequency in large population cohorts (gnomAD); Has not been previously published as pathogenic or benign to our knowledge